The following is an entry in ClinVar:

NM_032043.3(BRIP1):c.3113C>T (p.Thr1038Ile)

Gene: BRIP1 (BRCA1 interacting DNA helicase 1; minus strand). Cytogenetic location: 17q23.2.
Variant type: single nucleotide variant.
Coding change: c.3113C>T on transcript NM_032043.3 (MANE Select); coding-DNA position 3113, C replaced by T.
Protein change: p.Thr1038Ile; replaces threonine 1038 with isoleucine.
Molecular consequence: missense variant.
Genome position (GRCh38, 1-based): chr17:61,683,933, G>A on the plus strand (C>T on the coding strand, the complement: BRIP1 is on the minus strand). VCF-style: chr17-61683933-G-A. GRCh37 (hg19) VCF-style: chr17-59761294-G-A.
Other names: short protein forms T1038I.
Identifiers: ClinVar variation 1014048 (VCV001014048.11), dbSNP rs2061319540, ClinGen allele CA400479697.
Genomic context (GRCh38, chr17:61,683,933, plus strand): 5'-AGATTTGAGGATTCACATTTATCAGTGAAGGGCAAAACAGTTTTACTTTCCATCTTCTCT[G>A]TTTTGAAACGGGGAGGACTAGAGGCACTATTCTCTGATGACCCGAGCTCAGGTGTTGCCT-3'
Protein context (NP_114432.2, residues 1028-1048): NSASSPPRFK[Thr1038Ile]EKMESKTVLP

ClinVar aggregate classification (germline): Uncertain significance. Review status: criteria provided, multiple submitters, no conflicts (2 of 4 stars). 2 submissions from 2 submitters: Uncertain significance (2). Last evaluated 2024-03-06.

Conditions:
Familial cancer of breast. Also called: hereditary breast carcinoma; BREAST CANCER, FAMILIAL; Hereditary breast cancer. Identifiers: Orphanet 227535, MedGen C0346153, MONDO:0016419, OMIM 114480. Disease mechanism: loss of function.
Fanconi anemia complementation group J. Also called: BRIP1-Related Fanconi Anemia. Identifiers: Orphanet 84, MedGen C1836860, MONDO:0012187, OMIM 609054.
Hereditary cancer-predisposing syndrome. Also called: Tumor predisposition; Hereditary Cancer Syndrome; Neoplastic Syndromes, Hereditary; Hereditary neoplastic syndrome. Identifiers: Orphanet 140162, MedGen C0027672, MeSH D009386, MONDO:0015356.

Allele frequency attached by ClinVar (database versions not stated): gnomAD exomes below 0.00001.
gnomAD v4.1: 1 of 1,614,160 alleles (0.000062%); highest among the groups gnomAD compares: Non-Finnish European, 0.000085%; no homozygotes.

Submissions (2):

Color Diagnostics, LLC DBA Color Health
Classification: Uncertain significance for Hereditary cancer-predisposing syndrome. Last evaluated: 2024-03-06. Review status: criteria provided, single submitter. Criteria: ACMG Guidelines, 2015. Collection method: clinical testing. Allele origin: germline.
Comment: This missense variant replaces threonine with isoleucine at codon 1038 of the BRIP1 protein. Computational prediction suggests that this variant may not impact protein structure and function (internally defined REVEL score threshold <= 0.5, PMID: 27666373). To our knowledge, functional studies have not been reported for this variant. This variant has not been reported in individuals affected with hereditary cancer in the literature. This variant has not been identified in the general population by the Genome Aggregation Database (gnomAD). The available evidence is insufficient to determine the role of this variant in disease conclusively. Therefore, this variant is classified as a Variant of Uncertain Significance.

Labcorp Genetics (formerly Invitae), Labcorp
Classification: Uncertain significance for Familial cancer of breast; Fanconi anemia complementation group J. Last evaluated: 2023-11-05. Review status: criteria provided, single submitter. Criteria: Invitae Variant Classification Sherloc (09022015). Collection method: clinical testing. Allele origin: germline.
Comment: This sequence change replaces threonine, which is neutral and polar, with isoleucine, which is neutral and non-polar, at codon 1038 of the BRIP1 protein (p.Thr1038Ile). This variant is not present in population databases (gnomAD no frequency). This variant has not been reported in the literature in individuals affected with BRIP1-related conditions. ClinVar contains an entry for this variant (Variation ID: 1014048). Algorithms developed to predict the effect of missense changes on protein structure and function output the following: SIFT: "Not Available"; PolyPhen-2: "Benign"; Align-GVGD: "Not Available". The isoleucine amino acid residue is found in multiple mammalian species, which suggests that this missense change does not adversely affect protein function. In summary, the available evidence is currently insufficient to determine the role of this variant in disease. Therefore, it has been classified as a Variant of Uncertain Significance.